The following is an entry in ClinVar:

NM_207122.2(EXT2):c.535del (p.Arg179fs)

Gene: EXT2 (exostosin glycosyltransferase 2; plus strand). Cytogenetic location: 11p11.2.
Variant type: Deletion.
Coding change: c.535del on transcript NM_207122.2 (MANE Select); coding-DNA position 535, one base deleted (A; older notation c.535delA).
Protein change: p.Arg179fs; shifts the reading frame from arginine 179.
Molecular consequence: frameshift variant.
Genome position (GRCh38, 1-based): chr11:44,108,247, A deleted. VCF-style (leftmost placement, unchanged base first): chr11-44108246-TA-T. GRCh37 (hg19) VCF-style: chr11-44129796-TA-T.
Other names: c.634del, p.Arg212fs (NM_000401.3); c.535del, p.Arg179fs (NM_001178083.3, NM_001389628.1, NM_001389630.1); short protein forms R179fs, R212fs.
Identifiers: ClinVar variation 3660562 (VCV003660562.2).

ClinVar aggregate classification (germline): Pathogenic (1 of 4 stars; one submission).

Conditions:
Exostoses, multiple, type 2 (EXT2). Also called: Hereditary Multiple Osteochondromatosis, Type II; EXOSTOSES, MULTIPLE, TYPE II. Identifiers: Orphanet 321, MedGen C1851413, MONDO:0007586, OMIM 133701.

Submission:

Labcorp Genetics (formerly Invitae), Labcorp
Classification: Pathogenic for Exostoses, multiple, type 2. Last evaluated: 2025-10-01. Review status: criteria provided, single submitter. Criteria: Invitae Variant Classification Sherloc (09022015). Collection method: clinical testing. Allele origin: germline.
Comment: This sequence change creates a premature translational stop signal (p.Arg179Glyfs*91) in the EXT2 gene. It is expected to result in an absent or disrupted protein product. Loss-of-function variants in EXT2 are known to be pathogenic (PMID: 10679937, 19810120). This variant is not present in population databases (gnomAD no frequency). This variant has not been reported in the literature in individuals affected with EXT2-related conditions. ClinVar contains an entry for this variant (Variation ID: 3660562). Algorithms developed to predict the effect of sequence changes on RNA splicing suggest that this variant may disrupt the consensus splice site. For these reasons, this variant has been classified as Pathogenic.

Literature cited by the submitters: PubMed 10679937; PubMed 19810120.